The following is an entry in ClinVar:

ClinVar aggregate classification (germline): Uncertain significance (1 of 4 stars; one submission).

Conditions:
Congenital contractural arachnodactyly (CCA). Also called: BEALS SYNDROME; Beals-Hecht syndrome; Arthrogryposis, distal, type 9. Identifiers: Orphanet 115, MedGen C0220668, MONDO:0007363, OMIM 121050.

Allele frequency attached by ClinVar (database versions not stated): TOPMed below 0.00001.

Submission:

Labcorp Genetics (formerly Invitae), Labcorp
Classification: Uncertain significance for Congenital contractural arachnodactyly. Last evaluated: 2023-07-22. Review status: criteria provided, single submitter. Criteria: Invitae Variant Classification Sherloc (09022015). Collection method: clinical testing. Allele origin: germline.
Comment: This sequence change replaces aspartic acid, which is acidic and polar, with glycine, which is neutral and non-polar, at codon 2654 of the FBN2 protein (p.Asp2654Gly). This variant is not present in population databases (gnomAD no frequency). This variant has not been reported in the literature in individuals affected with FBN2-related conditions. An algorithm developed to predict the effect of missense changes on protein structure and function (PolyPhen-2) suggests that this variant is likely to be tolerated. In summary, the available evidence is currently insufficient to determine the role of this variant in disease. Therefore, it has been classified as a Variant of Uncertain Significance.

NM_001999.4(FBN2):c.7961A>G (p.Asp2654Gly)

Gene: FBN2 (fibrillin 2; minus strand). Cytogenetic location: 5q23.3.
Variant type: single nucleotide variant.
Coding change: c.7961A>G on transcript NM_001999.4 (MANE Select); coding-DNA position 7961, A replaced by G.
Protein change: p.Asp2654Gly; replaces aspartic acid 2654 with glycine.
Molecular consequence: missense variant.
Genome position (GRCh38, 1-based): chr5:128,263,656, T>C on the plus strand (A>G on the coding strand, the complement: FBN2 is on the minus strand). VCF-style: chr5-128263656-T-C. GRCh37 (hg19) VCF-style: chr5-127599348-T-C.
Other names: short protein forms D2654G.
Identifiers: ClinVar variation 2745825 (VCV002745825.3), dbSNP rs1222206974, ClinGen allele CA360750079.
Genomic context (GRCh38, chr5:128,263,656, plus strand): 5'-CCCAGGGTGTTGTAGCAGGAAGCAGAGCCACAGGCATTGGGATTGGAGCATTCATTCTCA[T>C]CTAGTGAAACGAAGAAAGAAACTCTTACACGGGGAAGCAGGCAAGAGCAAAAACGTGAAC-3'
Protein context (NP_001990.2, residues 2644-2664): IQHYQWNQCV[Asp2654Gly]ENECSNPNAC